The following is an entry in ClinVar:

NM_002691.4(POLD1):c.2532C>G (p.Val844=)

Gene: POLD1 (DNA polymerase delta 1, catalytic subunit; plus strand). Cytogenetic location: 19q13.33.
Variant type: single nucleotide variant.
Coding change: c.2532C>G on transcript NM_002691.4 (MANE Select); coding-DNA position 2532, C replaced by G.
Protein change: p.Val844=; no amino-acid change (valine 844 retained).
Molecular consequence: synonymous variant. On other transcripts: non-coding transcript variant (1).
Genome position (GRCh38, 1-based): chr19:50,414,958, C>G. VCF-style: chr19-50414958-C-G. GRCh37 (hg19) VCF-style: chr19-50918215-C-G.
Other names: c.2532C>G, p.Val844= (NM_001256849.1); c.2610C>G, p.Val870= (NM_001308632.1).
Identifiers: ClinVar variation 2025473 (VCV002025473.4), dbSNP rs2122467353, ClinGen allele CA508186251.

ClinVar aggregate classification (germline): Uncertain significance (1 of 4 stars; one submission).

Conditions:
POLD1-related polyposis and colorectal cancer syndrome (CRCS10). Also called: Colorectal cancer 10; COLORECTAL CANCER, SUSCEPTIBILITY TO, ON CHROMOSOME 19q; Colorectal cancer, susceptibility to, 10. Identifiers: Orphanet 220460, MedGen C2675481, MONDO:0012953, OMIM 612591.

Submission:

Labcorp Genetics (formerly Invitae), Labcorp
Classification: Uncertain significance for POLD1-related polyposis and colorectal cancer syndrome. Last evaluated: 2022-08-21. Review status: criteria provided, single submitter. Criteria: Invitae Variant Classification Sherloc (09022015). Collection method: clinical testing. Allele origin: germline.
Comment: This variant has not been reported in the literature in individuals affected with POLD1-related conditions. This sequence change affects codon 844 of the POLD1 mRNA. It is a 'silent' change, meaning that it does not change the encoded amino acid sequence of the POLD1 protein. This variant is not present in population databases (gnomAD no frequency). Algorithms developed to predict the effect of sequence changes on RNA splicing suggest that this variant may create or strengthen a splice site. In summary, the available evidence is currently insufficient to determine the role of this variant in disease. Therefore, it has been classified as a Variant of Uncertain Significance.